The following is an entry in ClinVar:

ClinVar aggregate classification (germline): Conflicting classifications of pathogenicity. Review status: criteria provided, conflicting classifications (1 of 4 stars). 3 submissions from 3 submitters: Uncertain significance (1); Likely benign (1). 1 of the submissions does not count toward it. Last evaluated 2026-01-20.

Conditions:
FRAS1-related disorder. Also called: FRAS1-related condition.

Allele frequency attached by ClinVar (database versions not stated): ESP Exome Variant Server 0.00016; gnomAD 0.00016 and 0.00024; TOPMed 0.00025; gnomAD exomes 0.00033; ExAC 0.00038; 1000 Genomes Project 0.00060; 1000 Genomes Project 30x 0.00109.
gnomAD v4.1: 186 of 1,612,592 alleles (0.012%); highest among the groups gnomAD compares: East Asian, 0.3%; 1 homozygote.

Submissions (3):

Labcorp Genetics (formerly Invitae), Labcorp
Classification: Likely benign. Last evaluated: 2026-01-20. Review status: criteria provided, single submitter. Criteria: Invitae Variant Classification Sherloc (09022015). Collection method: clinical testing. Allele origin: germline.

Genetic Services Laboratory, University of Chicago
Classification: Uncertain significance. Last evaluated: 2016-12-20. Review status: criteria provided, single submitter. Criteria: ACMG Guidelines, 2015. Collection method: clinical testing. Allele origin: germline. Affected: no.

PreventionGenetics, part of Exact Sciences
Classification: Likely benign for FRAS1-related condition. Last evaluated: 2023-09-18. Review status: no assertion criteria provided. Collection method: clinical testing. Allele origin: germline. Not counted in ClinVar's aggregate classification.
Comment: This variant is classified as likely benign based on ACMG/AMP sequence variant interpretation guidelines (Richards et al. 2015 PMID: 25741868, with internal and published modifications).

NM_025074.7(FRAS1):c.9356A>G (p.Asn3119Ser)

Gene: FRAS1 (Fraser extracellular matrix complex subunit 1; plus strand). Cytogenetic location: 4q21.21.
Variant type: single nucleotide variant.
Coding change: c.9356A>G on transcript NM_025074.7 (MANE Select); coding-DNA position 9356, A replaced by G.
Protein change: p.Asn3119Ser; replaces asparagine 3119 with serine.
Molecular consequence: missense variant.
Genome position (GRCh38, 1-based): chr4:78,507,460, A>G. VCF-style: chr4-78507460-A-G. GRCh37 (hg19) VCF-style: chr4-79428614-A-G.
Other names: short protein forms N3119S.
Identifiers: ClinVar variation 435258 (VCV000435258.11), dbSNP rs191105001, ClinGen allele CA2978648.